The following is an entry in ClinVar:

NM_012186.3(FOXE3):c.893C>T (p.Pro298Leu)

Genes: FOXE3 (forkhead box E3; plus strand), LINC01389 (long independently transcribed non-coding RNA 1389; minus strand). Cytogenetic location: 1p33.
Variant type: single nucleotide variant.
Coding change: c.893C>T on transcript NM_012186.3 (MANE Select); coding-DNA position 893, C replaced by T.
Protein change: p.Pro298Leu; replaces proline 298 with leucine.
Molecular consequence: missense variant.
Genome position (GRCh38, 1-based): chr1:47,417,208, C>T. VCF-style: chr1-47417208-C-T. GRCh37 (hg19) VCF-style: chr1-47882880-C-T.
Other names: short protein forms P298L.
Identifiers: ClinVar variation 643964 (VCV000643964.12), dbSNP rs1570406106, ClinGen allele CA340250973.

ClinVar aggregate classification (germline): Uncertain significance. Review status: criteria provided, multiple submitters, no conflicts (2 of 4 stars). 3 submissions from 3 submitters: Uncertain significance (3). Last evaluated 2026-01-22.

Conditions:
Cardiovascular phenotype. Identifiers: MedGen CN230736.
FOXE3-related disorder. Also called: FOXE3-related condition.
Congenital primary aphakia. Also called: Anterior segment dysgenesis 2, multiple subtypes; ANTERIOR SEGMENT DYSGENESIS 2. Identifiers: Orphanet 83461, MedGen C1853230, MONDO:0012456, OMIM 610256.
Anterior segment dysgenesis. Also called: Ocular anterior segment dysgenesis. Identifiers: Orphanet 88632, MedGen C1862839, MONDO:0019503, HP:0007700.

Allele frequency attached by ClinVar (database versions not stated): gnomAD 0.00001; TOPMed below 0.00001.

Submissions (3):

PreventionGenetics, part of Exact Sciences
Classification: Uncertain significance for FOXE3-related condition. Last evaluated: 2026-01-22. Review status: criteria provided, single submitter. Criteria: ACMG Guidelines, 2015. Collection method: clinical testing. Allele origin: germline.
Comment: The FOXE3 c.893C>T variant is predicted to result in the amino acid substitution p.Pro298Leu. To our knowledge, this variant has not been reported in the literature or in a large population database (gnomAD), indicating this variant is rare. At this time, the clinical significance of this variant is uncertain due to the absence of conclusive functional and genetic evidence.

Labcorp Genetics (formerly Invitae), Labcorp
Classification: Uncertain significance for Anterior segment dysgenesis; Congenital primary aphakia. Last evaluated: 2025-10-09. Review status: criteria provided, single submitter. Criteria: Invitae Variant Classification Sherloc (09022015). Collection method: clinical testing. Allele origin: germline.
Comment: This sequence change replaces proline, which is neutral and non-polar, with leucine, which is neutral and non-polar, at codon 298 of the FOXE3 protein (p.Pro298Leu). This variant is not present in population databases (gnomAD no frequency). This variant has not been reported in the literature in individuals affected with FOXE3-related conditions. ClinVar contains an entry for this variant (Variation ID: 643964). An algorithm developed to predict the effect of missense changes on protein structure and function (PolyPhen-2) suggests that this variant is likely to be disruptive. In summary, the available evidence is currently insufficient to determine the role of this variant in disease. Therefore, it has been classified as a Variant of Uncertain Significance.

Ambry Genetics
Classification: Uncertain significance for Cardiovascular phenotype. Last evaluated: 2024-09-04. Review status: criteria provided, single submitter. Criteria: Ambry Variant Classification Scheme 2023. Collection method: clinical testing. Allele origin: germline.
Comment: The p.P298L variant (also known as c.893C>T), located in coding exon 1 of the FOXE3 gene, results from a C to T substitution at nucleotide position 893. The proline at codon 298 is replaced by leucine, an amino acid with similar properties. This amino acid position is not well conserved in available vertebrate species. In addition, this alteration is predicted to be tolerated by in silico analysis. Based on the available evidence, the clinical significance of this variant remains unclear.